The following is an entry in ClinVar:

ClinVar aggregate classification (germline): Uncertain significance (1 of 4 stars; one submission).

Submission:

Ambry Genetics
Classification: Uncertain significance. Last evaluated: 2026-08-29. Review status: criteria provided, single submitter. Criteria: Ambry Variant Classification Scheme 2023. Collection method: clinical testing. Allele origin: germline.
Comment: The p.K349R variant (also known as c.1046A>G), located in coding exon 11 of the NEBL gene, results from an A to G substitution at nucleotide position 1046. The lysine at codon 349 is replaced by arginine, an amino acid with highly similar properties. This amino acid position is conserved. In addition, this alteration is predicted to be tolerated by in silico analysis. Based on the available evidence, the clinical significance of this variant remains unclear.

NM_006393.3(NEBL):c.1046A>G (p.Lys349Arg)

Gene: NEBL (nebulette; minus strand). Cytogenetic location: 10p12.31.
Variant type: single nucleotide variant.
Coding change: c.1046A>G on transcript NM_006393.3 (MANE Select); coding-DNA position 1046, A replaced by G.
Protein change: p.Lys349Arg; replaces lysine 349 with arginine.
Molecular consequence: missense variant. On other transcripts: intron variant (9).
Genome position (GRCh38, 1-based): chr10:20,850,465, T>C on the plus strand (A>G on the coding strand, the complement: NEBL is on the minus strand). VCF-style: chr10-20850465-T-C. GRCh37 (hg19) VCF-style: chr10-21139394-T-C.
Other names: c.250-37525A>G (NM_001377326.1, NM_001377327.1, NM_001377328.1); c.358-37525A>G (NM_213569.2, NM_001173484.2, NM_001377322.1); c.301-37525A>G (NM_001377324.1); c.292-37525A>G (NM_001377325.1); c.310-37525A>G (NM_001377323.1); short protein forms K349R.
Identifiers: ClinVar variation 5025468 (VCV005025468.1).